The following is an entry in ClinVar:

ClinVar aggregate classification (germline): Uncertain significance (1 of 4 stars; one submission).

gnomAD v4.1: 18 of 1,614,108 alleles (0.0011%); highest among the groups gnomAD compares: East Asian, 0.038%; no homozygotes.

Submission:

Labcorp Genetics (formerly Invitae), Labcorp
Classification: Uncertain significance. Last evaluated: 2026-02-02. Review status: criteria provided, single submitter. Criteria: Invitae Variant Classification Sherloc (09022015). Collection method: clinical testing. Allele origin: germline.
Comment: This sequence change replaces glycine, which is neutral and non-polar, with cysteine, which is neutral and slightly polar, at codon 1017 of the C3 protein (p.Gly1017Cys). This variant is not present in population databases (gnomAD no frequency). This variant has not been reported in the literature in individuals affected with C3-related conditions. Invitae Evidence Modeling of protein sequence and biophysical properties (such as structural, functional, and spatial information, amino acid conservation, physicochemical variation, residue mobility, and thermodynamic stability) indicates that this missense variant is expected to disrupt C3 protein function with a positive predictive value of 80%. In summary, the available evidence is currently insufficient to determine the role of this variant in disease. Therefore, it has been classified as a Variant of Uncertain Significance.

NM_000064.4(C3):c.3049G>T (p.Gly1017Cys)

Gene: C3 (complement C3; minus strand). Cytogenetic location: 19p13.3.
Variant type: single nucleotide variant.
Coding change: c.3049G>T on transcript NM_000064.4 (MANE Select); coding-DNA position 3049, G replaced by T.
Protein change: p.Gly1017Cys; replaces glycine 1017 with cysteine.
Molecular consequence: missense variant.
Genome position (GRCh38, 1-based): chr19:6,694,536, C>A on the plus strand (G>T on the coding strand, the complement: C3 is on the minus strand). VCF-style: chr19-6694536-C-A. GRCh37 (hg19) VCF-style: chr19-6694547-C-A.
Other names: short protein forms G1017C.
Identifiers: ClinVar variation 4760619 (VCV004760619.1).